The following is an entry in ClinVar:

ClinVar aggregate classification (germline): Uncertain significance. Review status: criteria provided, multiple submitters, no conflicts (2 of 4 stars). 2 submissions from 2 submitters: Uncertain significance (2). Last evaluated 2022-03-19.

Conditions:
Macrocephaly-developmental delay syndrome (MRT41). Also called: INTELLECTUAL DEVELOPMENTAL DISORDER, AUTOSOMAL RECESSIVE 41. Identifiers: Orphanet 397612, MedGen C3810225, MONDO:0014289, OMIM 615637.

Allele frequency attached by ClinVar (database versions not stated): gnomAD exomes 0.00003 and 0.00013; ExAC 0.00017; gnomAD 0.00038 and 0.00040; ESP Exome Variant Server 0.00039; TOPMed 0.00049; 1000 Genomes Project 0.00120; 1000 Genomes Project 30x 0.00156.
gnomAD v4.1: 111 of 1,613,572 alleles (0.0069%); highest among the groups gnomAD compares: African/African-American, 0.13%; no homozygotes.

Submissions (2):

Labcorp Genetics (formerly Invitae), Labcorp
Classification: Uncertain significance for Macrocephaly-developmental delay syndrome. Last evaluated: 2022-03-19. Review status: criteria provided, single submitter. Criteria: Invitae Variant Classification Sherloc (09022015). Collection method: clinical testing. Allele origin: germline.
Comment: This sequence change replaces leucine, which is neutral and non-polar, with proline, which is neutral and non-polar, at codon 269 of the KPTN protein (p.Leu269Pro). This variant is present in population databases (rs201798985, gnomAD 0.1%). This variant has not been reported in the literature in individuals affected with KPTN-related conditions. ClinVar contains an entry for this variant (Variation ID: 1059956). Algorithms developed to predict the effect of missense changes on protein structure and function output the following: SIFT: "Tolerated"; PolyPhen-2: "Benign"; Align-GVGD: "Class C0". The proline amino acid residue is found in multiple mammalian species, which suggests that this missense change does not adversely affect protein function. In summary, the available evidence is currently insufficient to determine the role of this variant in disease. Therefore, it has been classified as a Variant of Uncertain Significance.

Breakthrough Genomics
Classification: Uncertain significance. Review status: criteria provided, single submitter. Criteria: ACMG Guidelines, 2015. Collection method: not provided. Allele origin: germline. Inheritance: Autosomal dominant inheritance. Affected: yes.

NM_007059.4(KPTN):c.806T>C (p.Leu269Pro)

Gene: KPTN (kaptin, actin binding protein; minus strand). Cytogenetic location: 19q13.32.
Variant type: single nucleotide variant.
Coding change: c.806T>C on transcript NM_007059.4 (MANE Select); coding-DNA position 806, T replaced by C.
Protein change: p.Leu269Pro; replaces leucine 269 with proline.
Molecular consequence: missense variant. On other transcripts: non-coding transcript variant (1).
Genome position (GRCh38, 1-based): chr19:47,477,763, A>G on the plus strand (T>C on the coding strand, the complement: KPTN is on the minus strand). VCF-style: chr19-47477763-A-G. GRCh37 (hg19) VCF-style: chr19-47981020-A-G.
Other names: c.638T>C, p.Leu213Pro (NM_001291296.2); short protein forms L213P, L269P.
Identifiers: ClinVar variation 1059956 (VCV001059956.7), dbSNP rs201798985, ClinGen allele CA9540301.